The following is an entry in ClinVar:

ClinVar aggregate classification (germline): Pathogenic (1 of 4 stars; one submission).

Conditions:
USH2A-related disorder. Also called: USH2A-related disorders; USH2A-related condition. Identifiers: MedGen CN239332.

Submission:

Myriad Genetics, Inc.
Classification: Pathogenic for USH2A-related disorder. Last evaluated: 2026-07-14. Review status: criteria provided, single submitter. Criteria: Myriad Autosomal Dominant, Autosomal Recessive and X-Linked Classification Criteria (2023). Collection method: clinical testing. Allele origin: unknown.
Comment: NM_206933.2(USH2A):c.13508_13523del16ins2(V4503Efs*54) is a frameshift variant classified as pathogenic in the context of USH2A-related disorders. V4503Efs*54 has been observed in cases with relevant disease (PMID: 26927203). Relevant functional assessments of this variant are not available in the literature. V4503Efs*54 has not been observed in referenced population frequency databases. In summary, NM_206933.2(USH2A):c.13508_13523del16ins2(V4503Efs*54) is a frameshift variant that has been observed more frequently in cases with the relevant disease than in healthy populations. Please note: this variant was assessed in the context of healthy population screening.

Literature cited by the submitters: PubMed 26927203.

NM_206933.4(USH2A):c.13508_13523delinsAG (p.Val4503fs)

Gene: USH2A (usherin; minus strand). Cytogenetic location: 1q41.
Variant type: Indel.
Coding change: c.13508_13523delinsAG on transcript NM_206933.4 (MANE Select); coding-DNA positions 13508 to 13523, TGGAGTATAGCTACAC replaced by AG.
Protein change: p.Val4503fs; shifts the reading frame from valine 4503.
Molecular consequence: frameshift variant.
Genome position (GRCh38, 1-based): chr1:215,674,388-215,674,403, GTGTAGCTATACTCCA replaced by CT on the plus strand (TGGAGTATAGCTACAC replaced by AG on the coding strand, the reverse complement: USH2A is on the minus strand). VCF-style: chr1-215674388-GTGTAGCTATACTCCA-CT. GRCh37 (hg19) VCF-style: chr1-215847730-GTGTAGCTATACTCCA-CT.
Other names: short protein forms V4503fs.
Identifiers: ClinVar variation 5003328 (VCV005003328.1).
Genomic context (GRCh38, chr1:215,674,388, plus strand): 5'-CTGGTTCGATCTTTGACAAGAGGACTCAAAATACCCCCTTGGCTGTTGCTGGCAGTTACT[GTGTAGCTATACTCCA>CT]CACCTGGGGTGAGAGTAAAATCACGATAGCGTGTTTCCAAGCCTGTATATACAATGGTTC-3'